The following is an entry in ClinVar:

NM_001042432.2(CLN3):c.575G>A (p.Gly192Glu)

Gene: CLN3 (CLN3 lysosomal/endosomal transmembrane protein, battenin; minus strand). Cytogenetic location: 16p12.1.
Variant type: single nucleotide variant.
Coding change: c.575G>A on transcript NM_001042432.2 (MANE Select); coding-DNA position 575, G replaced by A.
Protein change: p.Gly192Glu; replaces glycine 192 with glutamic acid.
Molecular consequence: missense variant.
Genome position (GRCh38, 1-based): chr16:28,486,449, C>T on the plus strand (G>A on the coding strand, the complement: CLN3 is on the minus strand). VCF-style: chr16-28486449-C-T. GRCh37 (hg19) VCF-style: chr16-28497770-C-T.
Other names: p.Gly192Glu; c.575G>A, p.Gly192Glu (NM_000086.2); c.503G>A, p.Gly168Glu (NM_001286104.2); c.275G>A, p.Gly92Glu (NM_001286105.2); c.341G>A, p.Gly114Glu (NM_001286109.2); c.413G>A, p.Gly138Glu (NM_001286110.2); short protein forms G192E, G114E, G138E, G168E, G92E.
Identifiers: ClinVar variation 56284 (VCV000056284.16), dbSNP rs386833733, ClinGen allele CA263712.

ClinVar aggregate classification (germline): Conflicting classifications of pathogenicity. Review status: criteria provided, conflicting classifications (1 of 4 stars). 6 submissions from 6 submitters: Pathogenic (1); Uncertain significance (4). 1 of the submissions does not count toward it. Last evaluated 2022-08-22.

Conditions:
CLN3-related disorders.
Neuronal ceroid lipofuscinosis. Also called: Neuronal Ceroid Lipofuscinoses. Identifiers: Orphanet 216, Orphanet 79263, MedGen C0027877, MONDO:0016295. Disease mechanism: loss of function.
Neuronal ceroid lipofuscinosis 3 (CLN3). Identifiers: Orphanet 228346, MedGen C0751383, MONDO:0008767, OMIM 204200.

Allele frequency attached by ClinVar (database versions not stated): TOPMed below 0.00001.

Submissions (6):

Labcorp Genetics (formerly Invitae), Labcorp
Classification: Uncertain significance for Neuronal ceroid lipofuscinosis. Last evaluated: 2022-08-22. Review status: criteria provided, single submitter. Criteria: Invitae Variant Classification Sherloc (09022015). Collection method: clinical testing. Allele origin: germline.
Comment: This sequence change replaces glycine, which is neutral and non-polar, with glutamic acid, which is acidic and polar, at codon 192 of the CLN3 protein (p.Gly192Glu). This variant is not present in population databases (gnomAD no frequency). This missense change has been observed in individual(s) with juvenile neuronal ceroid lipofuscinosis (PMID: 21499717). ClinVar contains an entry for this variant (Variation ID: 56284). Algorithms developed to predict the effect of missense changes on protein structure and function (SIFT, PolyPhen-2, Align-GVGD) all suggest that this variant is likely to be disruptive. In summary, the available evidence is currently insufficient to determine the role of this variant in disease. Therefore, it has been classified as a Variant of Uncertain Significance.

Mayo Clinic Laboratories, Mayo Clinic
Classification: Uncertain significance. Last evaluated: 2022-06-23. Review status: criteria provided, single submitter. Criteria: ACMG Guidelines, 2015. Collection method: clinical testing. Allele origin: germline. Observed: 2 variant alleles.
Comment: PP3, PP4, PM2, PM3_supporting

Genome-Nilou Lab
Classification: Uncertain significance for Neuronal ceroid lipofuscinosis 3. Last evaluated: 2021-09-05. Review status: criteria provided, single submitter. Criteria: ACMG Guidelines, 2015. Collection method: clinical testing. Allele origin: germline. Affected: no.

Blueprint Genetics
Classification: Pathogenic for CLN3-related disorders. Last evaluated: 2021-05-07. Review status: criteria provided, single submitter. Criteria: ACMG Guidelines, 2015. Collection method: clinical testing. Allele origin: germline. Affected: yes. Observed: 2 variant alleles.

GeneDx
Classification: Uncertain significance. Last evaluated: 2021-04-27. Review status: criteria provided, single submitter. Criteria: GeneDx Variant Classification Process June 2021. Collection method: clinical testing. Allele origin: germline. Affected: yes.
Comment: Not observed in large population cohorts (Lek et al., 2016); In silico analysis supports that this missense variant has a deleterious effect on protein structure/function; This variant is associated with the following publications: (PMID: 21499717, 31568712)

Juha Muilu Group; Institute for Molecular Medicine Finland (FIMM)
Classification: Likely pathogenic for Juvenile neuronal ceroid lipofuscinosis. Review status: no assertion criteria provided. Collection method: not provided. Allele origin: unknown. Not counted in ClinVar's aggregate classification.
Comment: FinDis database variant: This variant was not found or characterized by our laboratory, data were collected from public sources: see reference
ClinVar note: Converted during submission from probable-pathogenic to Likely pathogenic.

Literature cited by the submitters: PubMed 21499717 (cited by Labcorp Genetics (formerly Invitae), Labcorp and Mayo Clinic Laboratories, Mayo Clinic).